The following is an entry in ClinVar:

ClinVar aggregate classification (germline): Conflicting classifications of pathogenicity. Review status: criteria provided, conflicting classifications (1 of 4 stars). 6 submissions from 6 submitters: Likely pathogenic (1); Uncertain significance (4); Likely benign (1). Last evaluated 2026-07-15.

Conditions:
CDH23-related disorder. Also called: CDH23-related condition; CDH23-related disorders.
Autosomal recessive nonsyndromic hearing loss 12. Also called: DEAFNESS, AUTOSOMAL RECESSIVE 12. Identifiers: Orphanet 90636, MedGen C1832394, MONDO:0011067, OMIM 601386.

Allele frequency attached by ClinVar (database versions not stated): gnomAD exomes 0.00003; ExAC 0.00004; gnomAD 0.00012 and 0.00015; ESP Exome Variant Server 0.00016; TOPMed 0.00019.
gnomAD v4.1: 82 of 1,610,716 alleles (0.0051%); highest among the groups gnomAD compares: Middle Eastern, 0.2%; 1 homozygote.

Submissions (6):

PreventionGenetics, part of Exact Sciences
Classification: Uncertain significance for CDH23-related condition. Last evaluated: 2026-07-15. Review status: criteria provided, single submitter. Criteria: ACMG Guidelines, 2015. Collection method: clinical testing. Allele origin: germline.
Comment: The CDH23 c.4786C>T variant is predicted to result in the amino acid substitution p.Arg1596Cys. To our knowledge, this variant has not been reported in the literature. This variant is reported in 0.039% of alleles in individuals of African descent in gnomAD. At this time, the clinical significance of this variant is uncertain due to the absence of conclusive functional and genetic evidence.

Labcorp Genetics (formerly Invitae), Labcorp
Classification: Likely benign. Last evaluated: 2026-01-31. Review status: criteria provided, single submitter. Criteria: Invitae Variant Classification Sherloc (09022015). Collection method: clinical testing. Allele origin: germline.

GeneDx
Classification: Uncertain significance. Last evaluated: 2024-10-10. Review status: criteria provided, single submitter. Criteria: GeneDx Variant Classification Process June 2021. Collection method: clinical testing. Allele origin: germline. Affected: yes.
Comment: In silico analysis supports that this missense variant has a deleterious effect on protein structure/function; Has not been previously published as pathogenic or benign to our knowledge

Blueprint Genetics
Classification: Uncertain significance. Last evaluated: 2024-08-09. Review status: criteria provided, single submitter. Criteria: ACMG Guidelines, 2015. Collection method: clinical testing. Allele origin: germline.

Wonkam Laboratory, Johns Hopkins University
Classification: Likely pathogenic for Autosomal recessive nonsyndromic hearing loss 12. Last evaluated: 2024-01-06. Review status: criteria provided, single submitter. Criteria: ACMG Guidelines, 2015. Collection method: research. Allele origin: germline. Inheritance: Autosomal recessive inheritance. Affected: yes. Observed: 3 variant alleles. Clinical features observed: Profound nonsyndromic hearing loss.
Comment: This variant CDH23 c.4786C>T (NM_022124.5) is predicted to lead to a missense mutation that is absent from controls (or at extremely low frequency if recessive) in Exome Sequencing Project, 1000 Genomes Project, or Exome Aggregation Consortium PM2). The variant segregated with multiple individuals with hearing impairment for a gene known to cause the phenotype being investigated (PP1), patient's phenotype and family history is highly specific for a disease with single origin (PP4).

Laboratory for Molecular Medicine, Mass General Brigham Personalized Medicine
Classification: Uncertain significance. Last evaluated: 2015-10-11. Review status: criteria provided, single submitter. Criteria: LMM Criteria. Collection method: clinical testing. Allele origin: germline. Observed: 1 variant allele.
Comment: The p.Arg1596Cys variant in CDH23 has not been previously reported in individual s with hearing loss, but has been identified in 4/6868 of African chromosomes by the Exome Aggregation Consortium (ExAC; dbSNP r s372636295). Although this variant has been seen in the general population, its frequency is not high enough to rule out a pathogenic role. Computational predi ction tools suggest that the variant may impact the protein, though this informa tion is not predictive enough to assume pathogenicity. In summary, the clinical significance of the p.Arg1596Cys variant is uncertain.

NM_022124.6(CDH23):c.4786C>T (p.Arg1596Cys)

Gene: CDH23 (cadherin related 23; plus strand). Cytogenetic location: 10q22.1.
Variant type: single nucleotide variant.
Coding change: c.4786C>T on transcript NM_022124.6 (MANE Select); coding-DNA position 4786, C replaced by T.
Protein change: p.Arg1596Cys; replaces arginine 1596 with cysteine.
Molecular consequence: missense variant.
Genome position (GRCh38, 1-based): chr10:71,741,862, C>T. VCF-style: chr10-71741862-C-T. GRCh37 (hg19) VCF-style: chr10-73501619-C-T.
Other names: short protein forms R1596C.
Identifiers: ClinVar variation 228495 (VCV000228495.17), dbSNP rs372636295, ClinGen allele CA5545152.